The following is an entry in ClinVar:

NM_000350.3(ABCA4):c.4352+2dup

Gene: ABCA4 (ATP binding cassette subfamily A member 4; minus strand). Cytogenetic location: 1p22.1.
Variant type: Duplication.
Coding change: c.4352+2dup on transcript NM_000350.3 (MANE Select); the canonical splice donor site of the intron after coding-DNA position 4352, one base duplicated (T; older notation c.4352+2dupT).
Molecular consequence: splice donor variant.
Genome position (GRCh38, 1-based): chr1:94,030,426, A duplicated on the plus strand (T on the coding strand, the reverse complement: ABCA4 is on the minus strand). VCF-style (leftmost placement, unchanged base first): chr1-94030425-T-TA. GRCh37 (hg19) VCF-style: chr1-94495981-T-TA.
Identifiers: ClinVar variation 1502503 (VCV001502503.7), dbSNP rs2101034860, ClinGen allele CA2573131943.

ClinVar aggregate classification (germline): Uncertain significance. Review status: criteria provided, multiple submitters, no conflicts (2 of 4 stars). 2 submissions from 2 submitters: Uncertain significance (2). Last evaluated 2022-05-04.

Allele frequency attached by ClinVar (database versions not stated): gnomAD exomes below 0.00001.

Submissions (2):

Labcorp Genetics (formerly Invitae), Labcorp
Classification: Uncertain significance. Last evaluated: 2022-05-04. Review status: criteria provided, single submitter. Criteria: Invitae Variant Classification Sherloc (09022015). Collection method: clinical testing. Allele origin: germline.
Comment: In summary, the available evidence is currently insufficient to determine the role of this variant in disease. Therefore, it has been classified as a Variant of Uncertain Significance. Variants that disrupt the consensus splice site are a relatively common cause of aberrant splicing (PMID: 17576681, 9536098). Algorithms developed to predict the effect of sequence changes on RNA splicing suggest that this variant may disrupt the consensus splice site. This variant has been observed in individual(s) with Stargardt disease (Invitae). This variant is not present in population databases (gnomAD no frequency). This sequence change falls in intron 29 of the ABCA4 gene. It does not directly change the encoded amino acid sequence of the ABCA4 protein. It affects a nucleotide within the consensus splice site.

Blueprint Genetics
Classification: Uncertain significance. Last evaluated: 2022-04-03. Review status: criteria provided, single submitter. Criteria: ACMG Guidelines, 2015. Collection method: clinical testing. Allele origin: germline.

Literature cited by the submitters: PubMed 17576681 (cited by Labcorp Genetics (formerly Invitae), Labcorp); PubMed 9536098 (cited by Labcorp Genetics (formerly Invitae), Labcorp).